The following is an entry in ClinVar:

NM_001378120.1(MBD5):c.-925+18G>A

Genes: MBD5 (methyl-CpG binding domain protein 5; plus strand), ORC4 (origin recognition complex subunit 4; minus strand). Cytogenetic location: 2q23.1.
Variant type: single nucleotide variant.
Coding change: c.-925+18G>A on transcript NM_001378120.1 (MANE Select); 18 bases into the intron after 925 bases upstream of the start codon, G replaced by A.
Molecular consequence: intron variant.
Genome position (GRCh38, 1-based): chr2:148,021,702, G>A. VCF-style: chr2-148021702-G-A. GRCh37 (hg19) VCF-style: chr2-148779271-G-A.
Other names: c.-925+18G>A (NM_018328.5).
Identifiers: ClinVar variation 386656 (VCV000386656.1), dbSNP rs1057522564, ClinGen allele CA16603823.
Genomic context (GRCh38, chr2:148,021,702, plus strand): 5'-CCACAGCTCCAGGGAAGGCACTCAAAAGTGGGGGGCAGGAAAGGTAAGTGTGTCTGTGGG[G>A]GCTTCATTGCCTTCCTCTGGCTCTGACTTTCACTCCGGGGCAACAGTAGCACCAAACCAC-3'

ClinVar aggregate classification (germline): Likely benign (1 of 4 stars; one submission).

Submission:

GeneDx
Classification: Likely benign. Last evaluated: 2016-06-06. Review status: criteria provided, single submitter. Criteria: GeneDx Variant Classification (06012015). Collection method: clinical testing. Allele origin: germline. Affected: yes.
Comment: This variant is considered likely benign or benign based on one or more of the following criteria: it is a conservative change, it occurs at a poorly conserved position in the protein, it is predicted to be benign by multiple in silico algorithms, and/or has population frequency not consistent with disease.